The following is an entry in ClinVar:

ClinVar aggregate classification (germline): Uncertain significance (1 of 4 stars; one submission).

Submission:

Ambry Genetics
Classification: Uncertain significance. Last evaluated: 2024-10-18. Review status: criteria provided, single submitter. Criteria: Ambry Variant Classification Scheme 2023. Collection method: clinical testing. Allele origin: germline.
Comment: The p.P1614S variant (also known as c.4840C>T), located in coding exon 4 of the ALPK2 gene, results from a C to T substitution at nucleotide position 4840. The proline at codon 1614 is replaced by serine, an amino acid with similar properties. This amino acid position is conserved. In addition, this alteration is predicted to be tolerated by in silico analysis. Based on the available evidence, the clinical significance of this variant remains unclear.

NM_052947.4(ALPK2):c.4840C>T (p.Pro1614Ser)

Genes: ALPK2 (alpha kinase 2; minus strand), LOC126862764 (BRD4-independent group 4 enhancer GRCh37_chr18:56202574-56203773; plus strand), LOC130062578 (ATAC-STARR-seq lymphoblastoid active region 13390; plus strand). Cytogenetic location: 18q21.31.
Variant type: single nucleotide variant.
Coding change: c.4840C>T on transcript NM_052947.4 (MANE Select); coding-DNA position 4840, C replaced by T.
Protein change: p.Pro1614Ser; replaces proline 1614 with serine.
Molecular consequence: missense variant.
Genome position (GRCh38, 1-based): chr18:58,535,347, G>A on the plus strand (C>T on the coding strand, the complement: ALPK2 is on the minus strand). VCF-style: chr18-58535347-G-A. GRCh37 (hg19) VCF-style: chr18-56202579-G-A.
Other names: short protein forms P1614S.
Identifiers: ClinVar variation 3531785 (VCV003531785.1).